The following is an entry in ClinVar:

ClinVar aggregate classification (germline): Uncertain significance (1 of 4 stars; one submission).

Conditions:
Hereditary cancer-predisposing syndrome. Also called: Neoplastic Syndromes, Hereditary; Tumor predisposition; Hereditary Cancer Syndrome; Hereditary neoplastic syndrome. Identifiers: Orphanet 140162, MedGen C0027672, MeSH D009386, MONDO:0015356.

Submission:

Ambry Genetics
Classification: Uncertain significance for Hereditary cancer-predisposing syndrome. Last evaluated: 2022-09-07. Review status: criteria provided, single submitter. Criteria: Ambry Variant Classification Scheme 2023. Collection method: clinical testing. Allele origin: germline.
Comment: The p.H2526Q variant (also known as c.7578T>G), located in coding exon 15 of the APC gene, results from a T to G substitution at nucleotide position 7578. The histidine at codon 2526 is replaced by glutamine, an amino acid with highly similar properties. This amino acid position is conserved. In addition, in silico predictors for this gene do not accurately predict pathogenicity. Since supporting evidence is limited at this time, the clinical significance of this alteration remains unclear.

NM_000038.6(APC):c.7578T>G (p.His2526Gln)

Gene: APC (APC regulator of Wnt signaling pathway; plus strand). Cytogenetic location: 5q22.2.
Variant type: single nucleotide variant.
Coding change: c.7578T>G on transcript NM_000038.6 (MANE Select); coding-DNA position 7578, T replaced by G.
Protein change: p.His2526Gln; replaces histidine 2526 with glutamine.
Molecular consequence: missense variant.
Genome position (GRCh38, 1-based): chr5:112,843,172, T>G. VCF-style: chr5-112843172-T-G. GRCh37 (hg19) VCF-style: chr5-112178869-T-G.
Other names: c.7578T>G, p.His2526Gln (NM_001127510.3, NM_001354895.2, NM_001407450.1); c.7524T>G, p.His2508Gln (NM_001127511.3); c.7632T>G, p.His2544Gln (NM_001354896.2, NM_001407447.1, NM_001407448.1 and 1 more transcripts); c.7608T>G, p.His2536Gln (NM_001354897.2); c.7503T>G, p.His2501Gln (NM_001354898.2); c.7494T>G, p.His2498Gln (NM_001354899.2); c.7455T>G, p.His2485Gln (NM_001354900.2); c.7401T>G, p.His2467Gln (NM_001354901.2, NM_001407453.1); and 11 more; short protein forms H2400Q, H2519Q, H2526Q, H2142Q, H2366Q, H2425Q, H2536Q, H2554Q.
Identifiers: ClinVar variation 1759598 (VCV001759598.2), dbSNP rs786201565, ClinGen allele CA16037799.